The following is an entry in ClinVar:

ClinVar aggregate classification (germline): Likely benign (1 of 4 stars; one submission).

Conditions:
Upshaw-Schulman syndrome (TTP). Also called: THROMBOTIC THROMBOCYTOPENIC PURPURA, HEREDITARY; Congenital thrombotic thrombocytopenic purpura. Identifiers: Orphanet 93583, MedGen C1268935, MONDO:0010122, OMIM 274150.

Allele frequency attached by ClinVar (database versions not stated): gnomAD exomes 0.00057 and 0.00139; ExAC 0.00211; gnomAD 0.00530 and 0.00559; TOPMed 0.00627; 1000 Genomes Project 0.00799; 1000 Genomes Project 30x 0.00828.
gnomAD v4.1: 1,555 of 1,403,292 alleles (0.11%); highest among the groups gnomAD compares: African/African-American, 1.9%; 22 homozygotes.

Submission:

Illumina Laboratory Services, Illumina
Classification: Likely benign for Upshaw-Schulman syndrome. Last evaluated: 2018-01-12. Review status: criteria provided, single submitter. Criteria: ICSL Variant Classification Criteria 13 December 2019. Collection method: clinical testing. Allele origin: germline.
Comment: This variant was observed in the ICSL laboratory as part of a predisposition screen in an ostensibly healthy population. It had not been previously curated by ICSL or reported in the Human Gene Mutation Database (HGMD: prior to June 1st, 2018), and was therefore a candidate for classification through an automated scoring system. Utilizing variant allele frequency, disease prevalence and penetrance estimates, and inheritance mode, an automated score was calculated to assess if this variant is too frequent to cause the disease. Based on the score and internal cut-off values, a variant classified as likely benign is not then subjected to further curation. The score for this variant resulted in a classification of likely benign for this disease.

NM_139027.6(ADAMTS13):c.*77C>T

Gene: ADAMTS13 (ADAM metallopeptidase with thrombospondin type 1 motif 13; plus strand). Cytogenetic location: 9q34.2.
Variant type: single nucleotide variant.
Coding change: c.*77C>T on transcript NM_139027.6 (MANE Select); 77 bases downstream of the stop codon, C replaced by T.
Molecular consequence: 3 prime UTR variant. On other transcripts: non-coding transcript variant (1).
Genome position (GRCh38, 1-based): chr9:133,459,257, C>T. VCF-style: chr9-133459257-C-T. GRCh37 (hg19) VCF-style: chr9-136324379-C-T.
Other names: c.*77C>T (NM_139025.5, NM_139026.6).
Identifiers: ClinVar variation 913181 (VCV000913181.4), dbSNP rs180910039, ClinGen allele CA200947922.